The following is an entry in ClinVar:

NM_000053.4(ATP7B):c.1810G>A (p.Ala604Thr)

Gene: ATP7B (ATPase copper transporting beta; minus strand). Cytogenetic location: 13q14.3.
Variant type: single nucleotide variant.
Coding change: c.1810G>A on transcript NM_000053.4 (MANE Select); coding-DNA position 1810, G replaced by A.
Protein change: p.Ala604Thr; replaces alanine 604 with threonine.
Molecular consequence: missense variant. On other transcripts: intron variant (3).
Genome position (GRCh38, 1-based): chr13:51,964,931, C>T on the plus strand (G>A on the coding strand, the complement: ATP7B is on the minus strand). VCF-style: chr13-51964931-C-T. GRCh37 (hg19) VCF-style: chr13-52539067-C-T.
Other names: c.1810G>A, p.Ala604Thr (NM_001005918.3, NM_001330578.2, NM_001330579.2 and 24 more transcripts); c.1477G>A, p.Ala493Thr (NM_001243182.2); c.1777G>A, p.Ala593Thr (NM_001406514.1, NM_001406524.1); c.1714G>A, p.Ala572Thr (NM_001406517.1, NM_001406518.1, NM_001406530.1 and 3 more transcripts); c.1381G>A, p.Ala461Thr (NM_001406539.1); c.1285+9004G>A (NM_001406548.1); c.1707+3513G>A (NM_001406547.1, NM_001406545.1); short protein forms A461T, A493T, A572T, A593T, A604T.
Identifiers: ClinVar variation 3902446 (VCV003902446.1).

ClinVar aggregate classification (germline): Uncertain significance (1 of 4 stars; one submission).

Submission:

Women's Health and Genetics/Laboratory Corporation of America, LabCorp
Classification: Uncertain significance. Last evaluated: 2025-05-07. Review status: criteria provided, single submitter. Criteria: LabCorp Variant Classification Summary - May 2015. Collection method: clinical testing. Allele origin: germline.
Comment: Variant summary: ATP7B c.1810G>A (p.Ala604Thr) results in a non-conservative amino acid change in the encoded protein sequence. Algorithms developed to predict the effect of missense changes on protein structure and function all suggest that this variant is likely to be disruptive. The variant was absent in 249584 control chromosomes. The available data on variant occurrences in the general population are insufficient to allow any conclusion about variant significance. To our knowledge, no occurrence of c.1810G>A in individuals affected with Wilson Disease and no experimental evidence demonstrating its impact on protein function have been reported. No submitters have cited clinical-significance assessments for this variant to ClinVar. Based on the evidence outlined above, the variant was classified as uncertain significance.